The following is an entry in ClinVar:

ClinVar aggregate classification (germline): Pathogenic/Likely pathogenic. Review status: criteria provided, multiple submitters, no conflicts (2 of 4 stars). 6 submissions from 6 submitters: Pathogenic (3); Likely pathogenic (2). 1 of the submissions does not count toward it. Last evaluated 2026-02-01.

Conditions:
Autosomal recessive nonsyndromic hearing loss 4 (DFNB4). Also called: Nonsyndromic enlarged vestibular aqueduct (NSEVA); Deafness, autosomal recessive 4, with enlarged vestibular aqueduct; NEUROSENSORY NONSYNDROMIC RECESSIVE DEAFNESS 4; DEAFNESS, AUTOSOMAL RECESSIVE 4, WITH ENLARGED VESTIBULAR AQUEDUCT, DIGENIC; Deafness, autosomal recessive 4; Enlarged vestibular aqueduct, digenic. Identifiers: Orphanet 90636, MedGen C3538946, MONDO:0010933, OMIM 600791.
EAST syndrome (SESAMES). Also called: SEIZURES, SENSORINEURAL DEAFNESS, ATAXIA, IMPAIRED INTELLECTUAL DEVELOPMENT, AND ELECTROLYTE IMBALANCE. Identifiers: Orphanet 199343, MedGen C2748572, MONDO:0013005, OMIM 612780.
Pendred syndrome (PDS). Also called: DEAFNESS WITH GOITER; THYROID DYSHORMONOGENESIS 2B; THYROID HORMONOGENESIS, GENETIC DEFECT IN, 2B; GOITER-DEAFNESS SYNDROME; Pendred Syndrome (PDS); Pendred's syndrome. Identifiers: Orphanet 705, MedGen C0271829, MONDO:0010134, OMIM 274600.

Allele frequency attached by ClinVar (database versions not stated): gnomAD exomes below 0.00001; TOPMed below 0.00001.
gnomAD v4.1: 2 of 1,612,476 alleles (0.00012%); highest among the groups gnomAD compares: Non-Finnish European, 0.00017%; no homozygotes.

Submissions (6):

CeGaT Center for Human Genetics Tuebingen
Classification: Likely pathogenic. Last evaluated: 2026-02-01. Review status: criteria provided, single submitter. Criteria: CeGaT Center For Human Genetics Tuebingen Variant Classification Criteria Version 2. Collection method: clinical testing. Allele origin: germline. Affected: yes. Observed: 1 variant allele.
Comment: KCNJ10: PVS1:Strong, PM2, PM3

Labcorp Genetics (formerly Invitae), Labcorp
Classification: Pathogenic for EAST syndrome. Last evaluated: 2025-09-09. Review status: criteria provided, single submitter. Criteria: Invitae Variant Classification Sherloc (09022015). Collection method: clinical testing. Allele origin: germline.
Comment: This sequence change creates a premature translational stop signal (p.Arg199*) in the KCNJ10 gene. While this is not anticipated to result in nonsense mediated decay, it is expected to disrupt the last 181 amino acid(s) of the KCNJ10 protein. This variant is not present in population databases (gnomAD no frequency). This premature translational stop signal has been observed in individual(s) with seizures, sensorineural deafness, ataxia, mental retardation, and electrolyte imbalance (SeSAME syndrome) (PMID: 19289823, 23924083). In at least one individual the data is consistent with being in trans (on the opposite chromosome) from a pathogenic variant. ClinVar contains an entry for this variant (Variation ID: 7463). Algorithms developed to predict the effect of variants on gene product structure and function are not available or were not evaluated for this variant. Experimental studies have shown that this premature translational stop signal affects KCNJ10 function (PMID: 20651251, 20678478, 20807765, 21088294). For these reasons, this variant has been classified as Pathogenic.

Broad Center for Mendelian Genomics, Broad Institute of MIT and Harvard
Classification: Likely pathogenic for EAST syndrome. Last evaluated: 2023-01-25. Review status: criteria provided, single submitter. Criteria: ACMG Guidelines, 2015. Collection method: curation. Allele origin: germline. Inheritance: Autosomal recessive inheritance.
Comment: The p.Arg199Ter variant in KCNJ10 has been reported in one individual with EAST syndrome (PMID: 19289823). This individual was a compound heterozygote who carried a likely pathogenic variant in trans (ClinVar Variation ID: 7462), which increases the likelihood that the p.Arg199Ter variant is pathogenic. This variant has also been reported in ClinVar (Variation ID: 7463) and has been interpreted as pathogenic by Invitae and OMIM. This variant was absent from large population studies. In vitro functional studies provide some evidence that the p.Arg199Ter variant may impact protein function (PMID: 20651251). However, these types of assays may not accurately represent biological function. This nonsense variant leads to a premature termination codon at position 199. This alteration occurs within the last exon and is more likely to escape nonsense mediated decay (NMD) and result in a truncated protein. Loss of function of the KCNJ10 gene is strongly associated to autosomal recessive EAST syndrome. In summary, although additional studies are required to fully establish its clinical significance, this variant is likely pathogenic for autosomal recessive EAST syndrome. ACMG/AMP Criteria applied: PVS1_Moderate, PM2_Supporting, PS3_Supporting, PM3 (Richards 2015).

GeneDx
Classification: Pathogenic. Last evaluated: 2022-08-23. Review status: criteria provided, single submitter. Criteria: GeneDx Variant Classification Process June 2021. Collection method: clinical testing. Allele origin: germline. Affected: yes.
Comment: Published functional studies demonstrate that the variant causes loss of protein function as well as lack of cell surface protein expression (Tang et al., 2010; Reichold et al., 2010); Nonsense variant predicted to result in protein truncation as the last 181 amino acids are lost, although loss-of-function variants have not been reported downstream of this position in the protein; Not observed at significant frequency in large population cohorts (gnomAD); This variant is associated with the following publications: (PMID: 20807765, 21088294, 33996354, 34638578, 21849804, 26961251, 24480364, 28835827, 27129733, 22809040, 23922547, 27500072, 28520217, 30952461, 29722316, 20651251, 26147798, 29358904, 23924083, 20678478, 29722015, 19289823)

Fulgent Genetics
Classification: Pathogenic for Pendred syndrome; Autosomal recessive nonsyndromic hearing loss 4; EAST syndrome. Last evaluated: 2022-01-04. Review status: criteria provided, single submitter. Criteria: ACMG Guidelines, 2015. Collection method: clinical testing. Allele origin: unknown.

OMIM
Classification: Pathogenic for SEIZURES, SENSORINEURAL DEAFNESS, ATAXIA, IMPAIRED INTELLECTUAL DEVELOPMENT, AND ELECTROLYTE IMBALANCE. Last evaluated: 2010-08-10. Review status: no assertion criteria provided. Collection method: literature only. Allele origin: germline. Not counted in ClinVar's aggregate classification.

Literature cited by the submitters: PubMed 19289823 (cited by Labcorp Genetics (formerly Invitae), Labcorp and OMIM); PubMed 23924083 (cited by Labcorp Genetics (formerly Invitae), Labcorp); PubMed 20651251 (cited by 3 submitters); PubMed 20678478 (cited by Labcorp Genetics (formerly Invitae), Labcorp); PubMed 20807765 (cited by Labcorp Genetics (formerly Invitae), Labcorp); PubMed 21088294 (cited by Labcorp Genetics (formerly Invitae), Labcorp).

NM_002241.5(KCNJ10):c.595C>T (p.Arg199Ter)

Gene: KCNJ10 (potassium inwardly rectifying channel subfamily J member 10; minus strand). Cytogenetic location: 1q23.2.
Variant type: single nucleotide variant.
Coding change: c.595C>T on transcript NM_002241.5 (MANE Select); coding-DNA position 595, C replaced by T.
Protein change: p.Arg199Ter; replaces arginine 199 with a stop codon.
Molecular consequence: nonsense.
Genome position (GRCh38, 1-based): chr1:160,041,938, G>A on the plus strand (C>T on the coding strand, the complement: KCNJ10 is on the minus strand). VCF-style: chr1-160041938-G-A. GRCh37 (hg19) VCF-style: chr1-160011728-G-A.
Other names: NM_002241.5(KCNJ10):c.595C>T; p.Arg199Ter; short protein forms R199*.
Identifiers: ClinVar variation 7463 (VCV000007463.17), dbSNP rs137853067, ClinGen allele CA118808.